The following is an entry in ClinVar:

ClinVar aggregate classification (germline): Conflicting classifications of pathogenicity. Review status: criteria provided, conflicting classifications (1 of 4 stars). 3 submissions from 3 submitters: Uncertain significance (2); Benign (1). Last evaluated 2025-08-01.

Conditions:
Hyperaldosteronism, familial, type IV (HALD4). Also called: FH IV; ALDOSTERONISM, PRIMARY, AND HYPERTENSION. Identifiers: Orphanet 642671, MedGen C4310756, MONDO:0014875, OMIM 617027.
Idiopathic generalized epilepsy. Also called: Generalised epilepsy; EIG. Identifiers: MedGen C0270850, MONDO:0005579, OMIM 600669.
Inborn genetic diseases. Identifiers: MedGen C0950123, MeSH D030342.

Allele frequency attached by ClinVar (database versions not stated): gnomAD 0.00004 and 0.00005; ExAC below 0.00001; gnomAD exomes 0.00006; TOPMed 0.00006.
gnomAD v4.1: 87 of 1,503,758 alleles (0.0058%); highest among the groups gnomAD compares: Middle Eastern, 0.069%; no homozygotes.

Submissions (3):

Ambry Genetics
Classification: Uncertain significance for Inborn genetic diseases. Last evaluated: 2025-08-01. Review status: criteria provided, single submitter. Criteria: Ambry Variant Classification Scheme 2023. Collection method: clinical testing. Allele origin: germline.

Labcorp Genetics (formerly Invitae), Labcorp
Classification: Benign for Idiopathic generalized epilepsy; Hyperaldosteronism, familial, type IV. Last evaluated: 2025-06-20. Review status: criteria provided, single submitter. Criteria: Invitae Variant Classification Sherloc (09022015). Collection method: clinical testing. Allele origin: germline.

GeneDx
Classification: Uncertain significance. Last evaluated: 2021-04-19. Review status: criteria provided, single submitter. Criteria: GeneDx Variant Classification Process June 2021. Collection method: clinical testing. Allele origin: germline. Affected: yes.
Comment: In silico analysis supports that this missense variant does not alter protein structure/function; Has not been previously published as pathogenic or benign to our knowledge

NM_021098.3(CACNA1H):c.1985A>G (p.His662Arg)

Gene: CACNA1H (calcium voltage-gated channel subunit alpha1 H; plus strand). Cytogenetic location: 16p13.3.
Variant type: single nucleotide variant.
Coding change: c.1985A>G on transcript NM_021098.3 (MANE Select); coding-DNA position 1985, A replaced by G.
Protein change: p.His662Arg; replaces histidine 662 with arginine.
Molecular consequence: missense variant.
Genome position (GRCh38, 1-based): chr16:1,202,435, A>G. VCF-style: chr16-1202435-A-G. GRCh37 (hg19) VCF-style: chr16-1252435-A-G.
Other names: c.1985A>G, p.His662Arg (NM_001005407.2); short protein forms H662R.
Identifiers: ClinVar variation 662370 (VCV000662370.10), dbSNP rs768565046, ClinGen allele CA7800066.
Genomic context (GRCh38, chr16:1,202,435, plus strand): 5'-GCACCGGGGGGCACGGCCCGTTGAGCTTGAACAGCCCTGATCCCTACGAGAAGATCCCGC[A>G]TGTGGTCGGGGAGCATGGTGAGGACCCAGCCCCACCCCACGGAGGAGGCGGTGGGACCTA-3'
Protein context (NP_066921.2, residues 652-672): NSPDPYEKIP[His662Arg]VVGEHGLGQA